The following is an entry in ClinVar:

NM_000455.5(STK11):c.102C>G (p.Val34=)

Gene: STK11 (serine/threonine kinase 11; plus strand). Cytogenetic location: 19p13.3.
Variant type: single nucleotide variant.
Coding change: c.102C>G on transcript NM_000455.5 (MANE Select); coding-DNA position 102, C replaced by G.
Protein change: p.Val34=; no amino-acid change (valine 34 retained).
Molecular consequence: synonymous variant.
Genome position (GRCh38, 1-based): chr19:1,207,015, C>G. VCF-style: chr19-1207015-C-G. GRCh37 (hg19) VCF-style: chr19-1207014-C-G.
Other names: c.102C>G (NM_000455.4).
Identifiers: ClinVar variation 1148828 (VCV001148828.11), dbSNP rs1060503784, ClinGen allele CA504706120.

ClinVar aggregate classification (germline): Benign/Likely benign. Review status: criteria provided, multiple submitters, no conflicts (2 of 4 stars). 3 submissions from 3 submitters: Benign (1); Likely benign (2). Last evaluated 2025-11-01.

Conditions:
Hereditary cancer-predisposing syndrome. Also called: Hereditary Cancer Syndrome; Hereditary neoplastic syndrome; Neoplastic Syndromes, Hereditary; Tumor predisposition. Identifiers: Orphanet 140162, MedGen C0027672, MeSH D009386, MONDO:0015356.
Peutz-Jeghers syndrome (PJS). Also called: Peutz-Jeghers polyposis; Periorificial lentiginosis syndrome; POLYPOSIS, HAMARTOMATOUS INTESTINAL; POLYPS-AND-SPOTS SYNDROME. Identifiers: Orphanet 2869, MedGen C0031269, MeSH D010580, MONDO:0008280, OMIM 175200.

Submissions (3):

Ambry Genetics
Classification: Likely benign for Hereditary cancer-predisposing syndrome. Last evaluated: 2025-11-01. Review status: criteria provided, single submitter. Criteria: Ambry Variant Classification Scheme 2023. Collection method: clinical testing. Allele origin: germline.

Myriad Genetics, Inc.
Classification: Benign for Peutz-Jeghers syndrome. Last evaluated: 2025-03-25. Review status: criteria provided, single submitter. Criteria: Myriad Autosomal Dominant, Autosomal Recessive and X-Linked Classification Criteria (2023). Collection method: clinical testing. Allele origin: unknown.
Comment: This variant is considered benign. This variant is a silent/synonymous amino acid change and it is not expected to impact splicing.

Labcorp Genetics (formerly Invitae), Labcorp
Classification: Likely benign for Peutz-Jeghers syndrome. Last evaluated: 2024-04-29. Review status: criteria provided, single submitter. Criteria: Invitae Variant Classification Sherloc (09022015). Collection method: clinical testing. Allele origin: germline.